The following is an entry in ClinVar:

NM_001374353.1(GLI2):c.564G>A (p.Ala188=)

Gene: GLI2 (GLI family zinc finger 2; plus strand). Cytogenetic location: 2q14.2.
Variant type: single nucleotide variant.
Coding change: c.564G>A on transcript NM_001374353.1 (MANE Select); coding-DNA position 564, G replaced by A.
Protein change: p.Ala188=; no amino-acid change (alanine 188 retained).
Molecular consequence: synonymous variant.
Genome position (GRCh38, 1-based): chr2:120,955,351, G>A. VCF-style: chr2-120955351-G-A. GRCh37 (hg19) VCF-style: chr2-121712927-G-A.
Other names: c.564G>A, p.Ala188= (NM_001371271.1, NM_005270.5); c.189G>A, p.Ala63= (NM_001374354.1); c.564G>A (NM_005270.4).
Identifiers: ClinVar variation 2923459 (VCV002923459.5), dbSNP rs201287742, ClinGen allele CA1851572.
Genomic context (GRCh38, chr2:120,955,351, plus strand): 5'-TCCAGGCACCACCCCCTCAGACTATTACCACCAGATGACCCTCGTGGCAGGCCACCCCGC[G>A]CCCTACGGGGACCTGCTGATGCAGAGCGGGGGCGCTGCCAGCGCACCCCATCTCCACGAC-3'
Protein context (NP_001361282.1, residues 178-198): HQMTLVAGHP[Ala188=]PYGDLLMQSG

ClinVar aggregate classification (germline): Likely benign. Review status: criteria provided, single submitter (1 of 4 stars). 2 submissions from 2 submitters: Likely benign (1). 1 of the submissions does not count toward it. Last evaluated 2025-12-25.

Conditions:
Holoprosencephaly 9 (HPE9). Also called: PITUITARY ANOMALIES WITH HOLOPROSENCEPHALY-LIKE FEATURES; HOLOPROSENCEPHALY WITH MICROPHTHALMIA AND FIRST BRANCHIAL ARCH ANOMALIES. Identifiers: Orphanet 2162, MedGen C1835819, MONDO:0012563, OMIM 610829.
Postaxial polydactyly-anterior pituitary anomalies-facial dysmorphism syndrome. Also called: Culler-Jones syndrome. Identifiers: Orphanet 420584, MedGen C4014479, MONDO:0014369, OMIM 615849.
GLI2-related disorder. Also called: GLI2-related disorders; GLI2-related condition.

Allele frequency attached by ClinVar (database versions not stated): gnomAD 0.00003; ExAC 0.00004; gnomAD exomes 0.00005.
gnomAD v4.1: 82 of 1,613,148 alleles (0.0051%); highest among the groups gnomAD compares: South Asian, 0.0088%; no homozygotes.

Submissions (2):

Labcorp Genetics (formerly Invitae), Labcorp
Classification: Likely benign for Postaxial polydactyly-anterior pituitary anomalies-facial dysmorphism syndrome; Holoprosencephaly 9. Last evaluated: 2025-12-25. Review status: criteria provided, single submitter. Criteria: Invitae Variant Classification Sherloc (09022015). Collection method: clinical testing. Allele origin: germline.

PreventionGenetics, part of Exact Sciences
Classification: Likely benign for GLI2-related condition. Last evaluated: 2022-04-29. Review status: no assertion criteria provided. Collection method: clinical testing. Allele origin: germline. Not counted in ClinVar's aggregate classification.
Comment: This variant is classified as likely benign based on ACMG/AMP sequence variant interpretation guidelines (Richards et al. 2015 PMID: 25741868, with internal and published modifications).